The following is an entry in ClinVar:

ClinVar aggregate classification (germline): Uncertain significance. Review status: criteria provided, single submitter (1 of 4 stars). 2 submissions from 2 submitters: Uncertain significance (1). 1 of the submissions does not count toward it. Last evaluated 2021-12-17.

Conditions:
APOLIPOPROTEIN A-I (GIESSEN).

Allele frequency attached by ClinVar (database versions not stated): TOPMed below 0.00001; ExAC 0.00001; gnomAD exomes 0.00001.

Submissions (2):

Labcorp Genetics (formerly Invitae), Labcorp
Classification: Uncertain significance. Last evaluated: 2021-12-17. Review status: criteria provided, single submitter. Criteria: Invitae Variant Classification Sherloc (09022015). Collection method: clinical testing. Allele origin: germline.
Comment: This sequence change replaces proline, which is neutral and non-polar, with arginine, which is basic and polar, at codon 167 of the APOA1 protein (p.Pro167Arg). In summary, the available evidence is currently insufficient to determine the role of this variant in disease. Therefore, it has been classified as a Variant of Uncertain Significance. Experimental studies have shown that this missense change affects APOA1 function (PMID: 6489332). Algorithms developed to predict the effect of missense changes on protein structure and function are either unavailable or do not agree on the potential impact of this missense change (SIFT: "Not Available"; PolyPhen-2: "Probably Damaging"; Align-GVGD: "Not Available"). ClinVar contains an entry for this variant (Variation ID: 17910). This variant is also known as Pro143Arg, Apo A-I Giessen. This missense change has been observed in individual(s) with APOA1-related conditions (PMID: 6489332). This variant is not present in population databases (gnomAD no frequency).

OMIM
Classification: Pathogenic for APOLIPOPROTEIN A-I (GIESSEN). Last evaluated: 1984-10-15. Review status: no assertion criteria provided. Collection method: literature only. Allele origin: germline. Not counted in ClinVar's aggregate classification.

Literature cited by the submitters: PubMed 6489332 (cited by Labcorp Genetics (formerly Invitae), Labcorp and OMIM); PubMed 7082443 (cited by OMIM).

NM_000039.3(APOA1):c.500C>G (p.Pro167Arg)

Gene: APOA1 (apolipoprotein A1; minus strand). Cytogenetic location: 11q23.3.
Variant type: single nucleotide variant.
Coding change: c.500C>G on transcript NM_000039.3 (MANE Select); coding-DNA position 500, C replaced by G.
Protein change: p.Pro167Arg; replaces proline 167 with arginine.
Molecular consequence: missense variant.
Genome position (GRCh38, 1-based): chr11:116,836,112, G>C on the plus strand (C>G on the coding strand, the complement: APOA1 is on the minus strand). VCF-style: chr11-116836112-G-C. GRCh37 (hg19) VCF-style: chr11-116706828-G-C.
Other names: P143R; c.500C>G, p.Pro167Arg (NM_001318017.2, NM_001318018.2); c.173C>G, p.Pro58Arg (NM_001318021.2); short protein forms P167R, P58R.
Identifiers: ClinVar variation 17910 (VCV000017910.8), dbSNP rs121912719, ClinGen allele CA127540.